The following is an entry in ClinVar:

ClinVar aggregate classification (germline): Likely pathogenic (1 of 4 stars; one submission).

Conditions:
Bohring-Opitz syndrome. Also called: C-LIKE SYNDROME; BOHRING SYNDROME; OPITZ TRIGONOCEPHALY-LIKE SYNDROME; ASXL1-Related Bohring-Opitz Syndrome. Identifiers: Orphanet 97297, MedGen C0796232, MONDO:0011510, OMIM 605039.

Submission:

Medical Genetics and Prenatal Diagnosis Center, Guangxi Academy of Medical Sciences and the People’s Hospital of Guangxi Zhuang Autonomous Region
Classification: Likely pathogenic for Bohring-Opitz syndrome. Last evaluated: 2025-10-10. Review status: criteria provided, single submitter. Criteria: ACMG Guidelines, 2015. Collection method: clinical testing. Allele origin: de novo. Affected: yes.
Comment: NM_015338.6(ASXL1):c.3416del is a frameshift mutation predicted to cause premature termination of protein synthesis, affecting gene function (PVS1_S). Its population frequency is not recorded in the gnomAD database (PM2_Supporting). In summary, based onthe ACMG Guidelines, 2015 (PMID: 25741868), the above evidence supports this variant as a likely pathogenic variant for Bohring-Opitz syndrome, classified as PVS1_S, PS2_Supporting, PM2_Supporting.

NM_015338.6(ASXL1):c.3416del (p.Thr1139fs)

Gene: ASXL1 (ASXL transcriptional regulator 1; plus strand). Cytogenetic location: 20q11.21.
Variant type: Deletion.
Coding change: c.3416del on transcript NM_015338.6 (MANE Select); coding-DNA position 3416, one base deleted (C; older notation c.3416delC).
Protein change: p.Thr1139fs; shifts the reading frame from threonine 1139.
Molecular consequence: frameshift variant.
Genome position (GRCh38, 1-based): chr20:32,436,128, C deleted. VCF-style (leftmost placement, unchanged base first): chr20-32436127-AC-A. GRCh37 (hg19) VCF-style: chr20-31023930-AC-A.
Other names: c.3233del, p.Thr1078fs (NM_001363734.1); short protein forms T1078fs, T1139fs.
Identifiers: ClinVar variation 4538456 (VCV004538456.1).